The following is an entry in ClinVar:

NM_001267550.2(TTN):c.63009G>C (p.Lys21003Asn)

Genes: TTN (titin; minus strand), TTN-AS1 (TTN antisense RNA 1; plus strand). Cytogenetic location: 2q31.2.
Variant type: single nucleotide variant.
Coding change: c.63009G>C on transcript NM_001267550.2 (MANE Select); coding-DNA position 63009, G replaced by C.
Protein change: p.Lys21003Asn; replaces lysine 21003 with asparagine.
Molecular consequence: missense variant.
Genome position (GRCh38, 1-based): chr2:178,588,716, C>G on the plus strand (G>C on the coding strand, the complement: TTN is on the minus strand). VCF-style: chr2-178588716-C-G. GRCh37 (hg19) VCF-style: chr2-179453443-C-G.
Other names: p.E19362N:AAG>AAC; c.58086G>C, p.Lys19362Asn (NM_001256850.1); c.35814G>C, p.Lys11938Asn (NM_003319.4); c.55305G>C, p.Lys18435Asn (NM_133378.4); c.36189G>C, p.Lys12063Asn (NM_133432.3); c.36390G>C, p.Lys12130Asn (NM_133437.4); short protein forms K19362N, K21003N, K18435N, K11938N, K12063N, K12130N.
Identifiers: ClinVar variation 202767 (VCV000202767.4), dbSNP rs794729472, ClinGen allele CA310221.
Genomic context (GRCh38, chr2:178,588,716, plus strand): 5'-CATACGTCTCTCAGGGATTGCACTCTTGTTGACAGGGACCCATCGTGTTGAATGCTTTTC[C>G]TTTTTCTCCAAAAAGTATCCAGTTATAGACTTTCCACCATCATATTCAGGTGGATTCCAA-3'
Protein context (NP_001254479.2, residues 20993-21013): KSITGYFLEK[Lys21003Asn]EKHSTRWVPV

ClinVar aggregate classification (germline): Uncertain significance. Review status: criteria provided, multiple submitters, no conflicts (2 of 4 stars). 3 submissions from 3 submitters: Uncertain significance (3). Last evaluated 2023-06-02.

Conditions:
Myopathy, myofibrillar, 9, with early respiratory failure (MFM9). Also called: EDSTROM MYOPATHY; MYOPATHY, PROXIMAL, WITH EARLY RESPIRATORY MUSCLE INVOLVEMENT; Hereditary myopathy with early respiratory failure; Myopathy, distal, with early respiratory failure, autosomal dominant. Identifiers: Orphanet 178464, Orphanet 34521, MedGen C1863599, MONDO:0011362, OMIM 603689.

Allele frequency attached by ClinVar (database versions not stated): gnomAD exomes 0.00001; TOPMed 0.00002.
gnomAD v4.1: 11 of 1,613,124 alleles (0.00068%); highest among the groups gnomAD compares: Non-Finnish European, 0.00093%; no homozygotes.

Submissions (3):

Women's Health and Genetics/Laboratory Corporation of America, LabCorp
Classification: Uncertain significance. Last evaluated: 2023-06-02. Review status: criteria provided, single submitter. Criteria: LabCorp Variant Classification Summary - May 2015. Collection method: clinical testing. Allele origin: germline.
Comment: Variant summary: TTN c.55305G>C (p.Lys18435Asn) results in a non-conservative amino acid change located in the A-band region of the encoded protein sequence. Three of four in-silico tools predict a damaging effect of the variant on protein function. The variant was absent in 248646 control chromosomes. The available data on variant occurrences in the general population are insufficient to allow any conclusion about variant significance. To our knowledge, no occurrence of c.55305G>C in individuals affected with TTN-Related Disorders and no experimental evidence demonstrating its impact on protein function have been reported. One clinical diagnostic laboratory has submitted clinical-significance assessments for this variant to ClinVar after 2014 without evidence for independent evaluation. One laboratory classified the variant as uncertain significance. Based on the evidence outlined above, the variant was classified as uncertain significance.

Baylor Genetics
Classification: Uncertain significance for Myopathy, myofibrillar, 9, with early respiratory failure. Last evaluated: 2018-01-18. Review status: criteria provided, single submitter. Criteria: ACMG Guidelines, 2015. Collection method: clinical testing. Allele origin: maternal. Affected: yes.
Comment: This variant was determined to be of uncertain significance according to ACMG Guidelines, 2015 [PMID:25741868].

GeneDx
Classification: Uncertain significance. Last evaluated: 2014-10-31. Review status: criteria provided, single submitter. Criteria: GeneDx Variant Classification (06012015). Collection method: clinical testing. Allele origin: germline. Affected: yes.
Comment: Missense variants in the TTN gene are considered 'unclassified' if they are not previously reported in the literature and do not have >1% frequency in the population to be considered a polymorphism. Research indicates that truncating mutations in the TTN gene are expected to account for approximately 25% of familial and 18% of sporadic idiopathic DCM; however, truncating variants in the TTN gene have been reported in approximately 3% of reported control alleles. There has been little investigation into non-truncating variants. (Herman D et al. Truncations of titin causing dilated cardiomyopathy. N Eng J Med 366:619-628, 2012) The variant is found in CARDIOMYOPATHY panel(s).